The following is an entry in ClinVar:

ClinVar aggregate classification (germline): Uncertain significance. Review status: criteria provided, multiple submitters, no conflicts (2 of 4 stars). 2 submissions from 2 submitters: Uncertain significance (2). Last evaluated 2025-11-03.

Conditions:
Familial adenomatous polyposis 1 (FAP1). Also called: FAMILIAL ADENOMATOUS POLYPOSIS 1, ATTENUATED; POLYPOSIS, ADENOMATOUS INTESTINAL. Identifiers: MedGen C2713442, MONDO:0021056, OMIM 175100. Disease mechanism: loss of function.
Hereditary cancer-predisposing syndrome. Also called: Hereditary neoplastic syndrome; Tumor predisposition; Neoplastic Syndromes, Hereditary; Hereditary Cancer Syndrome. Identifiers: Orphanet 140162, MedGen C0027672, MeSH D009386, MONDO:0015356.

Allele frequency attached by ClinVar (database versions not stated): gnomAD exomes below 0.00001.
gnomAD v4.1: 1 of 1,614,030 alleles (0.000062%); highest among the groups gnomAD compares: Non-Finnish European, 0.000085%; no homozygotes.

Submissions (2):

Labcorp Genetics (formerly Invitae), Labcorp
Classification: Uncertain significance for Familial adenomatous polyposis 1. Last evaluated: 2025-11-03. Review status: criteria provided, single submitter. Criteria: Invitae Variant Classification Sherloc (09022015). Collection method: clinical testing. Allele origin: germline.
Comment: This sequence change replaces glutamic acid, which is acidic and polar, with lysine, which is basic and polar, at codon 378 of the APC protein (p.Glu378Lys). This variant is present in population databases (no rsID available, gnomAD 0.0009%). This variant has not been reported in the literature in individuals affected with APC-related conditions. ClinVar contains an entry for this variant (Variation ID: 1501682). Invitae Evidence Modeling of protein sequence and biophysical properties (such as structural, functional, and spatial information, amino acid conservation, physicochemical variation, residue mobility, and thermodynamic stability) indicates that this missense variant is not expected to disrupt APC protein function with a negative predictive value of 95%. In summary, the available evidence is currently insufficient to determine the role of this variant in disease. Therefore, it has been classified as a Variant of Uncertain Significance.

Ambry Genetics
Classification: Uncertain significance for Hereditary cancer-predisposing syndrome. Last evaluated: 2024-10-05. Review status: criteria provided, single submitter. Criteria: Ambry Variant Classification Scheme 2023. Collection method: clinical testing. Allele origin: germline.
Comment: The p.E378K variant (also known as c.1132G>A), located in coding exon 9 of the APC gene, results from a G to A substitution at nucleotide position 1132. The glutamic acid at codon 378 is replaced by lysine, an amino acid with similar properties. This amino acid position is conserved. In addition, in silico predictors for this gene do not accurately predict pathogenicity. Based on the available evidence, the clinical significance of this variant remains unclear.

NM_000038.6(APC):c.1132G>A (p.Glu378Lys)

Gene: APC (APC regulator of Wnt signaling pathway; plus strand). Cytogenetic location: 5q22.2.
Variant type: single nucleotide variant.
Coding change: c.1132G>A on transcript NM_000038.6 (MANE Select); coding-DNA position 1132, G replaced by A.
Protein change: p.Glu378Lys; replaces glutamic acid 378 with lysine.
Molecular consequence: missense variant. On other transcripts: intron variant (4).
Genome position (GRCh38, 1-based): chr5:112,819,164, G>A. VCF-style: chr5-112819164-G-A. GRCh37 (hg19) VCF-style: chr5-112154861-G-A.
Other names: c.1132G>A, p.Glu378Lys (NM_001127510.3, NM_001354895.2, NM_001354896.2); c.1078G>A, p.Glu360Lys (NM_001127511.3); c.1162G>A, p.Glu388Lys (NM_001354897.2); c.1057G>A, p.Glu353Lys (NM_001354898.2); c.1048G>A, p.Glu350Lys (NM_001354899.2); c.955G>A, p.Glu319Lys (NM_001354900.2, NM_001354901.2); c.283G>A, p.Glu95Lys (NM_001354906.2); c.964-105G>A (NM_001354902.2); and 4 more; short protein forms E319K, E388K, E353K, E378K, E350K, E360K, E95K.
Identifiers: ClinVar variation 1501682 (VCV001501682.7), dbSNP rs1301159894, ClinGen allele CA16023786.